The following is an entry in ClinVar:

NM_014244.5(ADAMTS2):c.2750+284C>T

Gene: ADAMTS2 (ADAM metallopeptidase with thrombospondin type 1 motif 2; minus strand). Cytogenetic location: 5q35.3.
Variant type: single nucleotide variant.
Coding change: c.2750+284C>T on transcript NM_014244.5 (MANE Select); 284 bases into the intron after coding-DNA position 2750, C replaced by T.
Molecular consequence: intron variant.
Genome position (GRCh38, 1-based): chr5:179,125,714, G>A on the plus strand (C>T on the coding strand, the complement: ADAMTS2 is on the minus strand). VCF-style: chr5-179125714-G-A. GRCh37 (hg19) VCF-style: chr5-178552715-G-A.
Identifiers: ClinVar variation 682706 (VCV000682706.1), dbSNP rs7718671, ClinGen allele CA12018217.

ClinVar aggregate classification (germline): Benign (1 of 4 stars; one submission).

Allele frequency attached by ClinVar (database versions not stated): gnomAD 0.49591 and 0.50320; TOPMed 0.51154; 1000 Genomes Project 0.55331; 1000 Genomes Project 30x 0.55715.
gnomAD v4.1: 75,174 of 152,162 alleles (49%); highest among the groups gnomAD compares: African/African-American, 84%; 22,347 homozygotes.

Submission:

GeneDx
Classification: Benign. Last evaluated: 2018-06-18. Review status: criteria provided, single submitter. Criteria: GeneDx Variant Classification (06012015). Collection method: clinical testing. Allele origin: germline. Affected: yes.
Comment: This variant is considered likely benign or benign based on one or more of the following criteria: it is a conservative change, it occurs at a poorly conserved position in the protein, it is predicted to be benign by multiple in silico algorithms, and/or has population frequency not consistent with disease.